The following is an entry in ClinVar:

ClinVar aggregate classification (germline): Uncertain significance. Review status: criteria provided, multiple submitters, no conflicts (2 of 4 stars). 2 submissions from 2 submitters: Uncertain significance (2). Last evaluated 2023-05-21.

Conditions:
DICER1-related tumor predisposition. Also called: DICER1-related pleuropulmonary blastoma cancer predisposition syndrome; DICER1 syndrome. Identifiers: Orphanet 284343, MedGen C3839822, MONDO:0100216.
Hereditary cancer-predisposing syndrome. Also called: Tumor predisposition; Neoplastic Syndromes, Hereditary; Hereditary Cancer Syndrome; Hereditary neoplastic syndrome. Identifiers: Orphanet 140162, MedGen C0027672, MeSH D009386, MONDO:0015356.

Submissions (2):

Labcorp Genetics (formerly Invitae), Labcorp
Classification: Uncertain significance for DICER1-related tumor predisposition. Last evaluated: 2023-05-21. Review status: criteria provided, single submitter. Criteria: Invitae Variant Classification Sherloc (09022015). Collection method: clinical testing. Allele origin: germline.
Comment: In summary, the available evidence is currently insufficient to determine the role of this variant in disease. Therefore, it has been classified as a Variant of Uncertain Significance. Advanced modeling of protein sequence and biophysical properties (such as structural, functional, and spatial information, amino acid conservation, physicochemical variation, residue mobility, and thermodynamic stability) performed at Invitae indicates that this missense variant is expected to disrupt DICER1 protein function. ClinVar contains an entry for this variant (Variation ID: 477244). This variant has not been reported in the literature in individuals affected with DICER1-related conditions. This variant is not present in population databases (gnomAD no frequency). This sequence change replaces aspartic acid, which is acidic and polar, with glutamic acid, which is acidic and polar, at codon 1723 of the DICER1 protein (p.Asp1723Glu).

Ambry Genetics
Classification: Uncertain significance for Hereditary cancer-predisposing syndrome. Last evaluated: 2021-01-21. Review status: criteria provided, single submitter. Criteria: Ambry Variant Classification Scheme 2023. Collection method: clinical testing. Allele origin: germline.
Comment: The p.D1723E variant (also known as c.5169C>G), located in coding exon 23 of the DICER1 gene, results from a C to G substitution at nucleotide position 5169. The aspartic acid at codon 1723 is replaced by glutamic acid, an amino acid with highly similar properties. This amino acid position is highly conserved in available vertebrate species. In addition, the in silico prediction for this alteration is inconclusive. Since supporting evidence is limited at this time, the clinical significance of this alteration remains unclear.

NM_177438.3(DICER1):c.5169C>G (p.Asp1723Glu)

Gene: DICER1 (dicer 1, ribonuclease III; minus strand). Cytogenetic location: 14q32.13.
Variant type: single nucleotide variant.
Coding change: c.5169C>G on transcript NM_177438.3 (MANE Select); coding-DNA position 5169, C replaced by G.
Protein change: p.Asp1723Glu; replaces aspartic acid 1723 with glutamic acid.
Molecular consequence: missense variant.
Genome position (GRCh38, 1-based): chr14:95,094,083, G>C on the plus strand (C>G on the coding strand, the complement: DICER1 is on the minus strand). VCF-style: chr14-95094083-G-C. GRCh37 (hg19) VCF-style: chr14-95560420-G-C.
Other names: c.5169C>G, p.Asp1723Glu (NM_001195573.1, NM_001271282.3, NM_001291628.2 and 1 more transcripts); short protein forms D1723E.
Identifiers: ClinVar variation 477244 (VCV000477244.13), dbSNP rs1555366914, ClinGen allele CA390865288.
Genomic context (GRCh38, chr14:95,094,083, plus strand): 5'-GGTGTTGTTGACCAGGGCAGACCGCAGGTCTGTCAGGACCCCCGGGGAGTGCTGCCGCGG[G>C]TCTTCATAAAGGTGCTTGGTTATGAGGTAGTCCAAAATCGCATCTCCCAGGAATTCTAAG-3'
Protein context (NP_803187.1, residues 1713-1733): DYLITKHLYE[Asp1723Glu]PRQHSPGVLT